The following is an entry in ClinVar:

NM_000059.4(BRCA2):c.9472A>C (p.Thr3158Pro)

Gene: BRCA2 (BRCA2 DNA repair associated; plus strand). Cytogenetic location: 13q13.1.
Variant type: single nucleotide variant.
Coding change: c.9472A>C on transcript NM_000059.4 (MANE Select); coding-DNA position 9472, A replaced by C.
Protein change: p.Thr3158Pro; replaces threonine 3158 with proline.
Molecular consequence: missense variant. On other transcripts: non-coding transcript variant (1).
Genome position (GRCh38, 1-based): chr13:32,394,904, A>C. VCF-style: chr13-32394904-A-C. GRCh37 (hg19) VCF-style: chr13-32969041-A-C.
Other names: c.9376A>C, p.Thr3126Pro (NM_001406719.1); c.9421A>C, p.Thr3141Pro (NM_001406720.1); c.4540A>C, p.Thr1514Pro (NM_001406721.1); c.3055A>C, p.Thr1019Pro (NM_001406722.1); c.9472A>C, p.Thr3158Pro (NM_001432077.1); short protein forms T3158P, T1514P, T3126P, T1019P, T3141P.
Identifiers: ClinVar variation 4215816 (VCV004215816.1).
Genomic context (GRCh38, chr13:32,394,904, plus strand): 5'-TTATTTGCTGGAGATTTTTCTGTGTTTTCTGCTAGTCCAAAAGAGGGCCACTTTCAAGAG[A>C]CATTCAACAAAATGAAAAATACTGTTGAGGTAAGGTTACTTTTCAGCATCACCACACATT-3'
Protein context (NP_000050.3, residues 3148-3168): ASPKEGHFQE[Thr3158Pro]FNKMKNTVEN

ClinVar aggregate classification (germline): Uncertain significance (1 of 4 stars; one submission).

Conditions:
Hereditary cancer-predisposing syndrome. Also called: Hereditary Cancer Syndrome; Hereditary neoplastic syndrome; Neoplastic Syndromes, Hereditary; Tumor predisposition. Identifiers: Orphanet 140162, MedGen C0027672, MeSH D009386, MONDO:0015356.

Submission:

Ambry Genetics
Classification: Uncertain significance for Hereditary cancer-predisposing syndrome. Last evaluated: 2025-06-24. Review status: criteria provided, single submitter. Criteria: Ambry Variant Classification Scheme 2023. Collection method: clinical testing. Allele origin: germline.
Comment: The p.T3158P variant (also known as c.9472A>C), located in coding exon 24 of the BRCA2 gene, results from an A to C substitution at nucleotide position 9472. The threonine at codon 3158 is replaced by proline, an amino acid with highly similar properties. This amino acid position is conserved. In addition, the in silico prediction for this alteration is inconclusive. Based on the available evidence, the clinical significance of this variant remains unclear.